The following is an entry in ClinVar:

ClinVar aggregate classification (germline): Uncertain significance (1 of 4 stars; one submission).

Conditions:
Hereditary cancer-predisposing syndrome. Also called: Hereditary Cancer Syndrome; Hereditary neoplastic syndrome; Neoplastic Syndromes, Hereditary; Tumor predisposition. Identifiers: Orphanet 140162, MedGen C0027672, MeSH D009386, MONDO:0015356.

Submission:

Sema4
Classification: Uncertain significance for Hereditary cancer-predisposing syndrome. Last evaluated: 2021-09-08. Review status: criteria provided, single submitter. Criteria: Sema4 Curation Guidelines. Collection method: curation. Allele origin: germline.
Comment: The FANCM c.2530C>G (p.H844D) variant has not been reported in the literature to our knowledge. This variant is not reported in the population database Genome Aggregation Database (PMID: 32461654), nor in ClinVar. In silico tools suggest the impact of the variant on protein function is benign, though these predictions have not been confirmed by functional studies. The evidence is insufficient to meet ACMG/AMP criteria for classifying the variant as benign or pathogenic. Thus, the clinical significance of this variant is currently uncertain.

NM_020937.4(FANCM):c.2530C>G (p.His844Asp)

Gene: FANCM (FA complementation group M; plus strand). Cytogenetic location: 14q21.2.
Variant type: single nucleotide variant.
Coding change: c.2530C>G on transcript NM_020937.4 (MANE Select); coding-DNA position 2530, C replaced by G.
Protein change: p.His844Asp; replaces histidine 844 with aspartic acid.
Molecular consequence: missense variant.
Genome position (GRCh38, 1-based): chr14:45,175,284, C>G. VCF-style: chr14-45175284-C-G. GRCh37 (hg19) VCF-style: chr14-45644487-C-G.
Other names: c.2452C>G, p.His818Asp (NM_001308133.2); short protein forms H818D, H844D.
Identifiers: ClinVar variation 1691895 (VCV001691895.1), dbSNP rs2139242067, ClinGen allele CA389598048.